The following is an entry in ClinVar:

NM_005876.5(SPEG):c.1328G>C (p.Arg443Pro)

Gene: SPEG (striated muscle enriched protein kinase; plus strand). Cytogenetic location: 2q35.
Variant type: single nucleotide variant.
Coding change: c.1328G>C on transcript NM_005876.5 (MANE Select); coding-DNA position 1328, G replaced by C.
Protein change: p.Arg443Pro; replaces arginine 443 with proline.
Molecular consequence: missense variant.
Genome position (GRCh38, 1-based): chr2:219,448,486, G>C. VCF-style: chr2-219448486-G-C. GRCh37 (hg19) VCF-style: chr2-220313208-G-C.
Other names: short protein forms R443P.
Identifiers: ClinVar variation 2421020 (VCV002421020.3), dbSNP rs770193963, ClinGen allele CA66004478.

ClinVar aggregate classification (germline): Uncertain significance (1 of 4 stars; one submission).

Allele frequency attached by ClinVar (database versions not stated): gnomAD exomes 0.00001; TOPMed 0.00001.
gnomAD v4.1: 20 of 1,464,842 alleles (0.0014%); highest among the groups gnomAD compares: Non-Finnish European, 0.0014%; no homozygotes.

Submission:

Labcorp Genetics (formerly Invitae), Labcorp
Classification: Uncertain significance. Last evaluated: 2022-03-26. Review status: criteria provided, single submitter. Criteria: Invitae Variant Classification Sherloc (09022015). Collection method: clinical testing. Allele origin: germline.
Comment: This sequence change replaces arginine, which is basic and polar, with proline, which is neutral and non-polar, at codon 443 of the SPEG protein (p.Arg443Pro). This variant is present in population databases (rs770193963, gnomAD 0.004%). This variant has not been reported in the literature in individuals affected with SPEG-related conditions. Algorithms developed to predict the effect of missense changes on protein structure and function (SIFT, PolyPhen-2, Align-GVGD) all suggest that this variant is likely to be tolerated. In summary, the available evidence is currently insufficient to determine the role of this variant in disease. Therefore, it has been classified as a Variant of Uncertain Significance.